The following is an entry in ClinVar:

NM_021831.6(AGBL5):c.815C>G (p.Pro272Arg)

Gene: AGBL5 (AGBL carboxypeptidase 5; plus strand). Cytogenetic location: 2p23.3.
Variant type: single nucleotide variant.
Coding change: c.815C>G on transcript NM_021831.6 (MANE Select); coding-DNA position 815, C replaced by G.
Protein change: p.Pro272Arg; replaces proline 272 with arginine.
Molecular consequence: missense variant. On other transcripts: non-coding transcript variant (2).
Genome position (GRCh38, 1-based): chr2:27,055,160, C>G. VCF-style: chr2-27055160-C-G. GRCh37 (hg19) VCF-style: chr2-27278028-C-G.
Other names: c.815C>G, p.Pro272Arg (NM_001035507.3); short protein forms P272R.
Identifiers: ClinVar variation 1060143 (VCV001060143.9), dbSNP rs757420415, ClinGen allele CA346175460.

ClinVar aggregate classification (germline): Uncertain significance (1 of 4 stars; one submission).

gnomAD v4.1: 1 of 1,614,110 alleles (0.000062%); highest among the groups gnomAD compares: African/African-American, 0.0013%; no homozygotes.

Submission:

Labcorp Genetics (formerly Invitae), Labcorp
Classification: Uncertain significance. Last evaluated: 2022-08-23. Review status: criteria provided, single submitter. Criteria: Invitae Variant Classification Sherloc (09022015). Collection method: clinical testing. Allele origin: germline.
Comment: In summary, the available evidence is currently insufficient to determine the role of this variant in disease. Therefore, it has been classified as a Variant of Uncertain Significance. Algorithms developed to predict the effect of missense changes on protein structure and function (SIFT, PolyPhen-2, Align-GVGD) all suggest that this variant is likely to be tolerated. ClinVar contains an entry for this variant (Variation ID: 1060143). This variant has not been reported in the literature in individuals affected with AGBL5-related conditions. This variant is not present in population databases (gnomAD no frequency). This sequence change replaces proline, which is neutral and non-polar, with arginine, which is basic and polar, at codon 272 of the AGBL5 protein (p.Pro272Arg).